The following is an entry in ClinVar:

ClinVar aggregate classification (germline): Likely benign. Review status: criteria provided, multiple submitters, no conflicts (2 of 4 stars). 5 submissions from 5 submitters: Likely benign (4). 1 of the submissions does not count toward it. Last evaluated 2026-01-14.

Conditions:
Myofibrillar myopathy 6. Identifiers: Orphanet 199340, MedGen C2751831, MONDO:0013061, OMIM 612954.
Dilated cardiomyopathy 1HH (CMD1HH). Identifiers: Orphanet 154, MedGen C3151293, MONDO:0013479, OMIM 613881.
Cardiovascular phenotype. Identifiers: MedGen CN230736.
BAG3-related disorder. Also called: BAG3-related condition.

Allele frequency attached by ClinVar (database versions not stated): ExAC 0.00006; gnomAD exomes 0.00006; ESP Exome Variant Server 0.00008; TOPMed 0.00011; 1000 Genomes Project 30x 0.00016; 1000 Genomes Project 0.00020.
gnomAD v4.1: 69 of 1,614,092 alleles (0.0043%); highest among the groups gnomAD compares: Middle Eastern, 0.016%; no homozygotes.

Submissions (5):

Labcorp Genetics (formerly Invitae), Labcorp
Classification: Likely benign for Dilated cardiomyopathy 1HH; Myofibrillar myopathy 6. Last evaluated: 2026-01-14. Review status: criteria provided, single submitter. Criteria: Invitae Variant Classification Sherloc (09022015). Collection method: clinical testing. Allele origin: germline.

Fulgent Genetics
Classification: Likely benign for Myofibrillar myopathy 6; Dilated cardiomyopathy 1HH. Last evaluated: 2021-09-01. Review status: criteria provided, single submitter. Criteria: ACMG Guidelines, 2015. Collection method: clinical testing. Allele origin: unknown.

GeneDx
Classification: Likely benign. Last evaluated: 2018-01-11. Review status: criteria provided, single submitter. Criteria: GeneDx Variant Classification (06012015). Collection method: clinical testing. Allele origin: germline. Affected: yes.
Comment: This variant is considered likely benign or benign based on one or more of the following criteria: it is a conservative change, it occurs at a poorly conserved position in the protein, it is predicted to be benign by multiple in silico algorithms, and/or has population frequency not consistent with disease.

Ambry Genetics
Classification: Likely benign for Cardiovascular phenotype. Last evaluated: 2015-07-09. Review status: criteria provided, single submitter. Criteria: Ambry Variant Classification Scheme 2023. Collection method: clinical testing. Allele origin: germline.

PreventionGenetics, part of Exact Sciences
Classification: Likely benign for BAG3-related condition. Last evaluated: 2020-09-28. Review status: no assertion criteria provided. Collection method: clinical testing. Allele origin: germline. Not counted in ClinVar's aggregate classification.
Comment: This variant is classified as likely benign based on ACMG/AMP sequence variant interpretation guidelines (Richards et al. 2015 PMID: 25741868, with internal and published modifications).

NM_004281.4(BAG3):c.1362C>T (p.Ile454=)

Gene: BAG3 (BAG cochaperone 3; plus strand). Cytogenetic location: 10q26.11.
Variant type: single nucleotide variant.
Coding change: c.1362C>T on transcript NM_004281.4 (MANE Select); coding-DNA position 1362, C replaced by T.
Protein change: p.Ile454=; no amino-acid change (isoleucine 454 retained).
Molecular consequence: synonymous variant.
Genome position (GRCh38, 1-based): chr10:119,676,916, C>T. VCF-style: chr10-119676916-C-T. GRCh37 (hg19) VCF-style: chr10-121436428-C-T.
Identifiers: ClinVar variation 264169 (VCV000264169.29), dbSNP rs372417286, ClinGen allele CA5716536.
Genomic context (GRCh38, chr10:119,676,916, plus strand): 5'-GCTGGAGCAGGCTGTAGACAACTTTGAAGGCAAGAAGACTGACAAAAAGTACCTGATGAT[C>T]GAAGAGTATTTGACCAAAGAGCTGCTGGCCCTGGATTCAGTGGACCCCGAGGGACGAGCC-3'
Protein context (NP_004272.2, residues 444-464): GKKTDKKYLM[Ile454=]EEYLTKELLA